The following is an entry in ClinVar:

NM_017757.3(ZNF407):c.1282C>T (p.Arg428Cys)

Gene: ZNF407 (zinc finger protein 407; plus strand). Cytogenetic location: 18q22.3.
Variant type: single nucleotide variant.
Coding change: c.1282C>T on transcript NM_017757.3 (MANE Select); coding-DNA position 1282, C replaced by T.
Protein change: p.Arg428Cys; replaces arginine 428 with cysteine.
Molecular consequence: missense variant.
Genome position (GRCh38, 1-based): chr18:74,632,301, C>T. VCF-style: chr18-74632301-C-T. GRCh37 (hg19) VCF-style: chr18-72344257-C-T.
Other names: c.1282C>T, p.Arg428Cys (NM_001146189.1, NM_001146190.1, NM_001384475.1); short protein forms R428C.
Identifiers: ClinVar variation 1701701 (VCV001701701.2), dbSNP rs771815117, ClinGen allele CA9000326.

ClinVar aggregate classification (germline): Uncertain significance. Review status: criteria provided, multiple submitters, no conflicts (2 of 4 stars). 2 submissions from 2 submitters: Uncertain significance (2). Last evaluated 2025-02-22.

Conditions:
Short stature, impaired intellectual development, microcephaly, hypotonia, and ocular anomalies (SIMHA). Also called: SIMHA syndrome. Identifiers: MedGen C5561998, MONDO:0859198, OMIM 619557.

Allele frequency attached by ClinVar (database versions not stated): ExAC 0.00002; gnomAD 0.00001; gnomAD exomes 0.00001; TOPMed 0.00001.
gnomAD v4.1: 55 of 1,613,820 alleles (0.0034%); highest among the groups gnomAD compares: Non-Finnish European, 0.0041%; no homozygotes.

Submissions (2):

Ambry Genetics
Classification: Uncertain significance. Last evaluated: 2025-02-22. Review status: criteria provided, single submitter. Criteria: Ambry Variant Classification Scheme 2023. Collection method: clinical testing. Allele origin: germline.

New York Genome Center
Classification: Uncertain significance for Short stature, impaired intellectual development, microcephaly, hypotonia, and ocular anomalies. Last evaluated: 2022-01-04. Review status: criteria provided, single submitter. Criteria: NYGC Assertion Criteria 2020. Collection method: clinical testing. Allele origin: inherited. Observed: 1 compound heterozygote. Study: CSER-NYCKidSeq.
Comment: The inherited c.1282C>T variant identified in ZNF407 has not previously been reported in the literature or public variant repositories (ClinVar and LOVD). This variant has been observed in seven alleles (no homozygotes) with ~0.001% minor allele frequency in population databases (gnomAD v2.1.1and v3.1.2, TOPMed Freeze 8), suggesting it is not a common benign variant in the populations represented in those databases. The c.1282C>T variant is located in exon 2 of this 9-exon gene, and is predicted to replace a conserved arginine amino acid at position 428 with cysteine. In silico prediction algorithms are inconclusive of damaging effect of the variant (CADD v1.6= 27.3, REVEL= 0.188). Based on available evidence this inherited c.1282C>T variant in ZNF407 is classified as a Variant of Uncertain Significance.